The following is an entry in ClinVar:

ClinVar aggregate classification (germline): Uncertain significance (1 of 4 stars; one submission).

Conditions:
Focal segmental glomerulosclerosis 5 (FSGS5). Identifiers: Orphanet 656, MedGen C2750475, MONDO:0013191, OMIM 613237.
Charcot-Marie-Tooth disease dominant intermediate E. Also called: CHARCOT-MARIE-TOOTH NEUROPATHY WITH FOCAL SEGMENTAL GLOMERULONEPHRITIS. Identifiers: Orphanet 93114, MedGen C4302667, MONDO:0013758, OMIM 614455.

Submission:

Labcorp Genetics (formerly Invitae), Labcorp
Classification: Uncertain significance for Charcot-Marie-Tooth disease dominant intermediate E; Focal segmental glomerulosclerosis 5. Last evaluated: 2019-11-27. Review status: criteria provided, single submitter. Criteria: Invitae Variant Classification Sherloc (09022015). Collection method: clinical testing. Allele origin: germline.
Comment: In summary, the available evidence is currently insufficient to determine the role of this variant in disease. Therefore, it has been classified as a Variant of Uncertain Significance. Algorithms developed to predict the effect of missense changes on protein structure and function are either unavailable or do not agree on the potential impact of this missense change (SIFT: "Deleterious"; PolyPhen-2: "Not Available"; Align-GVGD: "Class C0"). This variant has not been reported in the literature in individuals with INF2-related conditions. This variant is reported as two separate entries in the ExAC population database (c.3207A>C, 0.6103% and c.3208C>T, no frequency). This sequence change replaces arginine with tryptophan at codon 1070 of the INF2 protein (p.Arg1070Trp). The arginine residue is weakly conserved and there is a moderate physicochemical difference between arginine and tryptophan.

NM_022489.4(INF2):c.3207_3208delinsCT (p.Arg1070Trp)

Gene: INF2 (inverted formin 2; plus strand). Cytogenetic location: 14q32.33.
Variant type: Indel.
Coding change: c.3207_3208delinsCT on transcript NM_022489.4 (MANE Select); coding-DNA positions 3207 to 3208, AC replaced by CT.
Protein change: p.Arg1070Trp; replaces arginine 1070 with tryptophan.
Molecular consequence: missense variant.
Genome position (GRCh38, 1-based): chr14:104,714,369-104,714,370, AC replaced by CT. VCF-style: chr14-104714369-AC-CT. GRCh37 (hg19) VCF-style: chr14-105180706-AC-CT.
Other names: c.3207_3208delinsCT, p.Arg1070Trp (NM_001031714.4); short protein forms R1070W.
Identifiers: ClinVar variation 859360 (VCV000859360.8), dbSNP rs1890195225, ClinGen allele CA916083405.